The following is an entry in ClinVar:

NM_000188.3(HK1):c.1599T>C (p.Leu533=)

Gene: HK1 (hexokinase 1; plus strand). Cytogenetic location: 10q22.1.
Variant type: single nucleotide variant.
Coding change: c.1599T>C on transcript NM_000188.3 (MANE Select); coding-DNA position 1599, T replaced by C.
Protein change: p.Leu533=; no amino-acid change (leucine 533 retained).
Molecular consequence: synonymous variant.
Genome position (GRCh38, 1-based): chr10:69,384,361, T>C. VCF-style: chr10-69384361-T-C. GRCh37 (hg19) VCF-style: chr10-71144117-T-C.
Other names: c.1611T>C, p.Leu537= (NM_001322364.2, NM_001358263.1, NM_033497.3 and 1 more transcripts); c.1704T>C, p.Leu568= (NM_001322365.2); c.1515T>C, p.Leu505= (NM_001322366.1); c.1503T>C, p.Leu501= (NM_001322367.1); c.1596T>C, p.Leu532= (NM_033496.3); c.1563T>C, p.Leu521= (NM_033500.2); c.1599T>C (NM_000188.2).
Identifiers: ClinVar variation 1588445 (VCV001588445.10), dbSNP rs369881116, ClinGen allele CA5532647.

ClinVar aggregate classification (germline): Likely benign. Review status: criteria provided, multiple submitters, no conflicts (2 of 4 stars). 3 submissions from 3 submitters: Likely benign (3). Last evaluated 2026-05-27.

Conditions:
HK1-related disorder. Also called: HK1-related condition; HK1-related disorders.

Allele frequency attached by ClinVar (database versions not stated): ExAC 0.00001; gnomAD 0.00002 and 0.00003; gnomAD exomes 0.00002 and 0.00004; TOPMed 0.00002; ESP Exome Variant Server 0.00008.
gnomAD v4.1: 53 of 1,614,148 alleles (0.0033%); highest among the groups gnomAD compares: Non-Finnish European, 0.0044%; no homozygotes.

Submissions (3):

PreventionGenetics, part of Exact Sciences
Classification: Likely benign for HK1-related condition. Last evaluated: 2026-05-27. Review status: criteria provided, single submitter. Criteria: ACMG Guidelines, 2015. Collection method: clinical testing. Allele origin: germline.
Comment: This variant is classified as likely benign based on ACMG/AMP sequence variant interpretation guidelines (Richards et al. 2015 PMID: 25741868, with internal and published modifications).

Labcorp Genetics (formerly Invitae), Labcorp
Classification: Likely benign. Last evaluated: 2025-05-05. Review status: criteria provided, single submitter. Criteria: Invitae Variant Classification Sherloc (09022015). Collection method: clinical testing. Allele origin: germline.

Blueprint Genetics
Classification: Likely benign. Last evaluated: 2023-12-15. Review status: criteria provided, single submitter. Criteria: ACMG Guidelines, 2015. Collection method: clinical testing. Allele origin: germline.